The following is an entry in ClinVar:

ClinVar aggregate classification (germline): Likely benign (1 of 4 stars; one submission).

Allele frequency attached by ClinVar (database versions not stated): gnomAD 0.00021; TOPMed 0.00023; gnomAD exomes 0.00030.
gnomAD v4.1: 112 of 398,582 alleles (0.028%); highest among the groups gnomAD compares: Non-Finnish European, 0.0053%; no homozygotes.

Submission:

CeGaT Center for Human Genetics Tuebingen
Classification: Likely benign. Last evaluated: 2025-02-01. Review status: criteria provided, single submitter. Criteria: CeGaT Center For Human Genetics Tuebingen Variant Classification Criteria Version 2. Collection method: clinical testing. Allele origin: germline. Affected: yes. Observed: 4 variant alleles.
Comment: KCNQ1OT1: BS2

NM_000218.3(KCNQ1):c.1514+5594G>A

Genes: KCNQ1 (potassium voltage-gated channel subfamily Q member 1; plus strand), KCNQ1OT1 (KCNQ1 opposite strand/antisense transcript 1; minus strand). Cytogenetic location: 11p15.5.
Variant type: single nucleotide variant.
Coding change: c.1514+5594G>A on transcript NM_000218.3 (MANE Select); 5594 bases into the intron after coding-DNA position 1514, G replaced by A.
Molecular consequence: intron variant. On other transcripts: non-coding transcript variant (1).
Genome position (GRCh38, 1-based): chr11:2,667,675, G>A. VCF-style: chr11-2667675-G-A. GRCh37 (hg19) VCF-style: chr11-2688905-G-A.
Other names: c.1244+5594G>A (NM_001406837.1); c.1418+5594G>A (NM_001406836.1); c.974+5594G>A (NM_001406838.1); c.1133+5594G>A (NM_181798.2).
Identifiers: ClinVar variation 3250918 (VCV003250918.18), dbSNP rs955752358.